The following is an entry in ClinVar:

ClinVar aggregate classification (germline): Likely pathogenic (1 of 4 stars; one submission).

Conditions:
Myopathy, proximal, and ophthalmoplegia (CMYO6). Also called: CONGENITAL MYOPATHY 6 WITH OPHTHALMOPLEGIA; MYOPATHY WITH CONGENITAL JOINT CONTRACTURES, OPHTHALMOPLEGIA, AND RIMMED VACUOLES; INCLUSION BODY MYOPATHY 3, AUTOSOMAL DOMINANT. Identifiers: Orphanet 363677, Orphanet 79091, MedGen C1854106, MONDO:0011577, OMIM 605637.

Submission:

Juno Genomics, Hangzhou Juno Genomics, Inc
Classification: Likely pathogenic for Myopathy, proximal, and ophthalmoplegia. Review status: criteria provided, single submitter. Criteria: ACMG Guidelines, 2015. Collection method: clinical testing. Allele origin: germline.
Comment: Null variant in a gene where loss of function (LOF) is a known mechanism of disease.;Absent from controls (or at extremely low frequency if recessive) in Genome Aggregation Database.

NM_017534.6(MYH2):c.958G>T (p.Glu320Ter)

Genes: MYH2 (myosin heavy chain 2; minus strand), MYHAS (myosin heavy chain gene cluster antisense RNA; plus strand). Cytogenetic location: 17p13.1.
Variant type: single nucleotide variant.
Coding change: c.958G>T on transcript NM_017534.6 (MANE Select); coding-DNA position 958, G replaced by T.
Protein change: p.Glu320Ter; replaces glutamic acid 320 with a stop codon.
Molecular consequence: nonsense.
Genome position (GRCh38, 1-based): chr17:10,540,644, C>A on the plus strand (G>T on the coding strand, the complement: MYH2 is on the minus strand). VCF-style: chr17-10540644-C-A. GRCh37 (hg19) VCF-style: chr17-10443961-C-A.
Other names: c.958G>T, p.Glu320Ter (NM_001100112.2); short protein forms E320*.
Identifiers: ClinVar variation 5005679 (VCV005005679.2).
Genomic context (GRCh38, chr17:10,540,644, plus strand): 5'-TTCTACTTACATCTGTGGCCATCAGTTCTTCCTGATCATCGATGCTGGCCACACTGATCT[C>A]CCCTTGACTGACAAATGGGTAATCATATGGGTTCGTGGTAATCAGAAGCATTTCTAAGTA-3'